The following is an entry in ClinVar:

NM_016507.4(CDK12):c.3521C>A (p.Ala1174Asp)

Gene: CDK12 (cyclin dependent kinase 12; plus strand). Cytogenetic location: 17q12.
Variant type: single nucleotide variant.
Coding change: c.3521C>A on transcript NM_016507.4 (MANE Select); coding-DNA position 3521, C replaced by A.
Protein change: p.Ala1174Asp; replaces alanine 1174 with aspartic acid.
Molecular consequence: missense variant.
Genome position (GRCh38, 1-based): chr17:39,526,077, C>A. VCF-style: chr17-39526077-C-A. GRCh37 (hg19) VCF-style: chr17-37682330-C-A.
Other names: c.3521C>A, p.Ala1174Asp (NM_015083.4); short protein forms A1174D.
Identifiers: ClinVar variation 3489282 (VCV003489282.1).

ClinVar aggregate classification (germline): Uncertain significance (1 of 4 stars; one submission).

gnomAD v4.1: 10 of 1,614,100 alleles (0.00062%); highest among the groups gnomAD compares: South Asian, 0.011%; no homozygotes.

Submission:

Ambry Genetics
Classification: Uncertain significance. Last evaluated: 2024-11-25. Review status: criteria provided, single submitter. Criteria: Ambry Variant Classification Scheme 2023. Collection method: clinical testing. Allele origin: germline.
Comment: The p.A1174D variant (also known as c.3521C>A), located in coding exon 13 of the CDK12 gene, results from a C to A substitution at nucleotide position 3521. The alanine at codon 1174 is replaced by aspartic acid, an amino acid with dissimilar properties. This amino acid position is conserved. In addition, the in silico prediction for this alteration is inconclusive. Based on the available evidence, the clinical significance of this variant remains unclear.